The following is an entry in ClinVar:

NC_000003.12:g.10060442G>A

Genes: FANCD2 (FA complementation group D2; plus strand), VHL (von Hippel-Lindau tumor suppressor; plus strand), LOC107303338 (3p25 FANCD2 Alu-mediated recombination region; plus strand). Cytogenetic location: 3p25.3.
Variant type: single nucleotide variant.
Molecular consequence: intron variant (on NM_001018115.3).
Genome position: GRCh38 VCF-style: chr3-10060442-G-A. GRCh37 (hg19) VCF-style: chr3-10102126-G-A.
Other names: c.1766+39G>A (NM_001319984.2, NM_001018115.3, NM_033084.6 and 1 more transcripts); c.1655+39G>A (NM_001374253.1).
Identifiers: ClinVar variation 3346929 (VCV003346929.1).

ClinVar aggregate classification (germline): Likely benign (0 of 4 stars; one submission).

Conditions:
VHL-related disorder. Also called: VHL-related condition.

gnomAD v4.1: 2 of 1,466,516 alleles (0.00014%); highest among the groups gnomAD compares: Non-Finnish European, 0.000096%; no homozygotes.

Submission:

PreventionGenetics, part of Exact Sciences
Classification: Likely benign for VHL-related condition. Last evaluated: 2024-04-17. Review status: no assertion criteria provided. Collection method: clinical testing. Allele origin: germline.
Comment: This variant is classified as likely benign based on ACMG/AMP sequence variant interpretation guidelines (Richards et al. 2015 PMID: 25741868, with internal and published modifications).